The following is an entry in ClinVar:

ClinVar aggregate classification (germline): Likely pathogenic (0 of 4 stars; one submission).

Conditions:
Stargardt disease (FFM). Also called: Stargardt's disease; Fundus flavimaculatus. Identifiers: Orphanet 827, MedGen C0271093, MONDO:0019353.

Submission:

Ophthalmo-Genetics Lab, Instituto de Oftalmologia Conde de Valenciana
Classification: Likely pathogenic for Stargardt disease. Last evaluated: 2022-12-19. Review status: no assertion criteria provided. Collection method: research. Allele origin: biparental. Inheritance: Autosomal recessive inheritance. Affected: yes. Observed: 1 compound heterozygote.
Comment: PP4,PM3,PM2,PM4 ACMG Criteria

Literature cited by the submitters: PubMed 30578500.

NM_000350.3(ABCA4):c.2522_2530del (p.Gln841_Met843del)

Gene: ABCA4 (ATP binding cassette subfamily A member 4; minus strand). Cytogenetic location: 1p22.1.
Variant type: Deletion.
Coding change: c.2522_2530del on transcript NM_000350.3 (MANE Select); coding-DNA positions 2522 to 2530, 9 bases deleted (AGATGATGC; older notation c.2522_2530delAGATGATGC).
Protein change: p.Gln841_Met843del.
Molecular consequence: inframe deletion. On other transcripts: inframe indel (1).
Genome position (GRCh38, 1-based): chr1:94,055,168-94,055,176, GCATCATCT deleted on the plus strand (AGATGATGC on the coding strand, the reverse complement: ABCA4 is on the minus strand); deleting any 9 consecutive bases within chr1:94,055,168-94,055,180 gives the same sequence; the c. name uses the placement nearest the transcript's 3' end. VCF-style (leftmost placement, unchanged base first): chr1-94055167-AGCATCATCT-A. GRCh37 (hg19) VCF-style: chr1-94520723-AGCATCATCT-A.
Other names: c.2296_2304delATGCAGATG, p.Gln767_Met769del (NM_001425324.1).
Identifiers: ClinVar variation 1803950 (VCV001803950.1), dbSNP rs2523816358, ClinGen allele CA2580063328.